The following is an entry in ClinVar:

ClinVar aggregate classification (germline): Uncertain significance. Review status: criteria provided, multiple submitters, no conflicts (2 of 4 stars). 2 submissions from 2 submitters: Uncertain significance (2). Last evaluated 2024-10-02.

Allele frequency attached by ClinVar (database versions not stated): gnomAD exomes below 0.00001; TOPMed below 0.00001; ExAC 0.00001.

Submissions (2):

Blueprint Genetics
Classification: Uncertain significance. Last evaluated: 2024-10-02. Review status: criteria provided, single submitter. Criteria: ACMG Guidelines, 2015. Collection method: clinical testing. Allele origin: germline.

Labcorp Genetics (formerly Invitae), Labcorp
Classification: Uncertain significance. Last evaluated: 2021-12-30. Review status: criteria provided, single submitter. Criteria: Invitae Variant Classification Sherloc (09022015). Collection method: clinical testing. Allele origin: germline.
Comment: This sequence change replaces aspartic acid, which is acidic and polar, with tyrosine, which is neutral and polar, at codon 335 of the GTPBP3 protein (p.Asp335Tyr). This variant is present in population databases (rs780679284, gnomAD 0.005%). This variant has not been reported in the literature in individuals affected with GTPBP3-related conditions. Algorithms developed to predict the effect of missense changes on protein structure and function are either unavailable or do not agree on the potential impact of this missense change (SIFT: "Deleterious"; PolyPhen-2: "Probably Damaging"; Align-GVGD: "Class C15"). In summary, the available evidence is currently insufficient to determine the role of this variant in disease. Therefore, it has been classified as a Variant of Uncertain Significance.

NM_032620.4(GTPBP3):c.907G>T (p.Asp303Tyr)

Gene: GTPBP3 (GTP binding protein 3, mitochondrial; plus strand). Cytogenetic location: 19p13.11.
Variant type: single nucleotide variant.
Coding change: c.907G>T on transcript NM_032620.4 (MANE Select); coding-DNA position 907, G replaced by T.
Protein change: p.Asp303Tyr; replaces aspartic acid 303 with tyrosine.
Molecular consequence: missense variant.
Genome position (GRCh38, 1-based): chr19:17,339,532, G>T. VCF-style: chr19-17339532-G-T. GRCh37 (hg19) VCF-style: chr19-17450341-G-T.
Other names: c.907G>T, p.Asp303Tyr (NM_001128855.3); c.973G>T, p.Asp325Tyr (NM_001195422.1); c.1003G>T, p.Asp335Tyr (NM_133644.4); short protein forms D325Y, D335Y, D303Y.
Identifiers: ClinVar variation 1932532 (VCV001932532.3), dbSNP rs780679284, ClinGen allele CA9293567.